The following is an entry in ClinVar:

ClinVar aggregate classification (germline): Uncertain significance (1 of 4 stars; one submission).

Allele frequency attached by ClinVar (database versions not stated): ExAC 0.00001; gnomAD exomes 0.00001.
gnomAD v4.1: 9 of 1,612,690 alleles (0.00056%); highest among the groups gnomAD compares: Non-Finnish European, 0.00076%; no homozygotes.

Submission:

Labcorp Genetics (formerly Invitae), Labcorp
Classification: Uncertain significance. Last evaluated: 2022-03-08. Review status: criteria provided, single submitter. Criteria: Invitae Variant Classification Sherloc (09022015). Collection method: clinical testing. Allele origin: germline.
Comment: This sequence change falls in intron 11 of the SBF1 gene. It does not directly change the encoded amino acid sequence of the SBF1 protein. It affects a nucleotide within the consensus splice site. This variant is present in population databases (rs747659001, gnomAD 0.002%). This variant has not been reported in the literature in individuals affected with SBF1-related conditions. Variants that disrupt the consensus splice site are a relatively common cause of aberrant splicing (PMID: 17576681, 9536098). Algorithms developed to predict the effect of sequence changes on RNA splicing suggest that this variant is not likely to affect RNA splicing. In summary, the available evidence is currently insufficient to determine the role of this variant in disease. Therefore, it has been classified as a Variant of Uncertain Significance.

Literature cited by the submitters: PubMed 17576681; PubMed 9536098.

NM_002972.4(SBF1):c.1203+4G>C

Gene: SBF1 (SET binding factor 1; minus strand). Cytogenetic location: 22q13.33.
Variant type: single nucleotide variant.
Coding change: c.1203+4G>C on transcript NM_002972.4 (MANE Select); 4 bases into the intron after coding-DNA position 1203, G replaced by C.
Molecular consequence: intron variant.
Genome position (GRCh38, 1-based): chr22:50,465,211, C>G on the plus strand (G>C on the coding strand, the complement: SBF1 is on the minus strand). VCF-style: chr22-50465211-C-G. GRCh37 (hg19) VCF-style: chr22-50903640-C-G.
Other names: c.1206+4G>C (NM_001365819.1).
Identifiers: ClinVar variation 1478244 (VCV001478244.3), dbSNP rs747659001, ClinGen allele CA10317793.